The following is an entry in ClinVar:

ClinVar aggregate classification (germline): Uncertain significance. Review status: criteria provided, multiple submitters, no conflicts (2 of 4 stars). 2 submissions from 2 submitters: Uncertain significance (2). Last evaluated 2025-12-09.

Conditions:
Ornithine carbamoyltransferase deficiency (OTCD). Also called: ORNITHINE TRANSCARBAMYLASE DEFICIENCY; ORNITHINE TRANSCARBAMYLASE DEFICIENCY, HYPERAMMONEMIA DUE TO; OTC DEFICIENCY; Ornithine Carbamoyltransferase Deficiency Disease. Identifiers: Orphanet 664, MedGen C0268542, MONDO:0010703, OMIM 311250.
OTC-related disorder. Also called: OTC-related condition.

Allele frequency attached by ClinVar (database versions not stated): gnomAD exomes below 0.00001; gnomAD 0.00001; ESP Exome Variant Server 0.00009.
gnomAD v4.1: 3 of 1,207,583 alleles (0.00025%); highest among the groups gnomAD compares: South Asian, 0.0035%; no homozygotes.

Submissions (2):

PreventionGenetics, part of Exact Sciences
Classification: Uncertain significance for OTC-related condition. Last evaluated: 2025-12-09. Review status: criteria provided, single submitter. Criteria: ACMG Guidelines, 2015. Collection method: clinical testing. Allele origin: germline.
Comment: The OTC c.955C>T variant is predicted to result in the amino acid substitution p.Pro319Ser. To our knowledge, this variant has not been reported in the literature or in a large population database (gnomAD), indicating this variant is rare. At this time, the clinical significance of this variant is uncertain due to the absence of conclusive functional and genetic evidence.

All of Us Research Program, National Institutes of Health
Classification: Uncertain significance for Ornithine carbamoyltransferase deficiency. Last evaluated: 2023-03-04. Review status: criteria provided, single submitter. Criteria: ACMG Guidelines, 2015. Collection method: clinical testing. Allele origin: germline. Inheritance: X-linked inheritance. Observed: 1 variant allele, 1 heterozygote.
Comment: This study involves interpretation of variants in research participants for the purpose of population health screening. Participant phenotype was not available at the time of variant classification. Additional details can be found in publication PMID: 35346344, PMCID: PMC8962531

NM_000531.6(OTC):c.955C>T (p.Pro319Ser)

Gene: OTC (ornithine transcarbamylase; plus strand). Cytogenetic location: Xp11.4.
Variant type: single nucleotide variant.
Coding change: c.955C>T on transcript NM_000531.6 (MANE Select); coding-DNA position 955, C replaced by T.
Protein change: p.Pro319Ser; replaces proline 319 with serine.
Molecular consequence: missense variant.
Genome position (GRCh38, 1-based): chrX:38,411,949, C>T. VCF-style: chrX-38411949-C-T. GRCh37 (hg19) VCF-style: chrX-38271202-C-T.
Other names: c.955C>T, p.Pro319Ser (NM_001407092.1); c.955C>T (NM_000531.5); short protein forms P319S.
Identifiers: ClinVar variation 3069748 (VCV003069748.3), dbSNP rs372070932, ClinGen allele CA327913189.